The following is an entry in ClinVar:

NM_181882.3(PRX):c.1026A>C (p.Ala342=)

Gene: PRX (periaxin; minus strand). Cytogenetic location: 19q13.2.
Variant type: single nucleotide variant.
Coding change: c.1026A>C on transcript NM_181882.3 (MANE Select); coding-DNA position 1026, A replaced by C.
Protein change: p.Ala342=; no amino-acid change (alanine 342 retained).
Molecular consequence: synonymous variant. On other transcripts: 3 prime UTR variant (1).
Genome position (GRCh38, 1-based): chr19:40,397,326, T>G on the plus strand (A>C on the coding strand, the complement: PRX is on the minus strand). VCF-style: chr19-40397326-T-G. GRCh37 (hg19) VCF-style: chr19-40903233-T-G.
Other names: c.*1231A>C (NM_020956.2).
Identifiers: ClinVar variation 476947 (VCV000476947.17), dbSNP rs150772010, ClinGen allele CA9444337.

ClinVar aggregate classification (germline): Conflicting classifications of pathogenicity. Review status: criteria provided, conflicting classifications (1 of 4 stars). 4 submissions from 4 submitters: Uncertain significance (1); Likely benign (3). Last evaluated 2025-08-26.

Conditions:
PRX-related disorder. Also called: PRX-related condition; PRX-Related Disorders.
Inborn genetic diseases. Identifiers: MedGen C0950123, MeSH D030342.
Charcot-Marie-Tooth disease type 4. Also called: Charcot-Marie-Tooth disease, type IV; Charcot-Marie-Tooth, Type 4. Identifiers: Orphanet 64749, MedGen C4082197, MONDO:0018995.
Charcot-Marie-Tooth disease type 4F. Also called: Charcot-Marie-Tooth disease, demyelinating, type 4F. Identifiers: Orphanet 99952, MedGen C3540453, MONDO:0013959, OMIM 614895.

Allele frequency attached by ClinVar (database versions not stated): gnomAD exomes 0.00023 and 0.00009; ExAC 0.00008; gnomAD 0.00013 and 0.00014; TOPMed 0.00013; ESP Exome Variant Server 0.00015.
gnomAD v4.1: 355 of 1,612,996 alleles (0.022%); highest among the groups gnomAD compares: Non-Finnish European, 0.029%; no homozygotes.

Submissions (4):

PreventionGenetics, part of Exact Sciences
Classification: Likely benign for PRX-related condition. Last evaluated: 2025-08-26. Review status: criteria provided, single submitter. Criteria: ACMG Guidelines, 2015. Collection method: clinical testing. Allele origin: germline.
Comment: This variant is classified as likely benign based on ACMG/AMP sequence variant interpretation guidelines (Richards et al. 2015 PMID: 25741868, with internal and published modifications).

Labcorp Genetics (formerly Invitae), Labcorp
Classification: Likely benign for Charcot-Marie-Tooth disease type 4. Last evaluated: 2025-08-14. Review status: criteria provided, single submitter. Criteria: Invitae Variant Classification Sherloc (09022015). Collection method: clinical testing. Allele origin: germline.

Ambry Genetics
Classification: Likely benign for Inborn genetic diseases. Last evaluated: 2019-07-11. Review status: criteria provided, single submitter. Criteria: Ambry Variant Classification Scheme 2023. Collection method: clinical testing. Allele origin: germline.

Illumina Laboratory Services, Illumina
Classification: Uncertain significance for Charcot-Marie-Tooth disease type 4F. Last evaluated: 2018-01-13. Review status: criteria provided, single submitter. Criteria: ICSL Variant Classification Criteria 13 December 2019. Collection method: clinical testing. Allele origin: germline.